The following is an entry in ClinVar:

NM_000419.5(ITGA2B):c.2384AAG[1] (p.Glu796del)

Gene: ITGA2B (integrin subunit alpha 2b; minus strand). Cytogenetic location: 17q21.31.
Variant type: Microsatellite.
Coding change: c.2384AAG[1] on transcript NM_000419.5 (MANE Select); one copy of the 3-base unit AAG starting at c.2384; the reference has two copies in a row; one copy, 3 bases deleted.
Protein change: p.Glu796del; deletes glutamic acid 796.
Molecular consequence: inframe deletion.
Genome position (GRCh38, 1-based): chr17:44,376,144-44,376,146, CTT deleted on the plus strand (AAG on the coding strand, the reverse complement: ITGA2B is on the minus strand); deleting any 3 consecutive bases within chr17:44,376,144-44,376,151 gives the same sequence; the position shown is the placement nearest the transcript's 3' end. VCF-style (leftmost placement, unchanged base first): chr17-44376143-CCTT-C. GRCh37 (hg19) VCF-style: chr17-42453511-CCTT-C.
Other names: short protein forms E796del.
Identifiers: ClinVar variation 2572147 (VCV002572147.4), dbSNP rs2048541799, ClinGen allele CA2261366127.

ClinVar aggregate classification (germline): Uncertain significance. Review status: criteria provided, multiple submitters, no conflicts (2 of 4 stars). 2 submissions from 2 submitters: Uncertain significance (2). Last evaluated 2023-12-07.

Conditions:
Platelet-type bleeding disorder 16 (BDPLT16). Also called: Bleeding disorder, platelet-type, 16, autosomal dominant. Identifiers: Orphanet 140957, MedGen C5442010, MONDO:0008552, OMIM 187800.
Glanzmann thrombasthenia. Also called: Thrombasthenia; PLATELET GLYCOPROTEIN IIb-IIIa DEFICIENCY; BLEEDING DISORDER, PLATELET-TYPE, 2; THROMBASTHENIA OF GLANZMANN AND NAEGELI; Glanzmann's thrombasthenia. Identifiers: Orphanet 849, MedGen C0040015, MONDO:0100326.

Submissions (2):

Labcorp Genetics (formerly Invitae), Labcorp
Classification: Uncertain significance for Glanzmann thrombasthenia. Last evaluated: 2023-12-07. Review status: criteria provided, single submitter. Criteria: Invitae Variant Classification Sherloc (09022015). Collection method: clinical testing. Allele origin: germline.
Comment: This variant, c.2387_2389del, results in the deletion of 1 amino acid(s) of the ITGA2B protein (p.Glu796del), but otherwise preserves the integrity of the reading frame. This variant is not present in population databases (gnomAD no frequency). This variant has not been reported in the literature in individuals affected with ITGA2B-related conditions. Experimental studies and prediction algorithms are not available or were not evaluated, and the functional significance of this variant is currently unknown. In summary, the available evidence is currently insufficient to determine the role of this variant in disease. Therefore, it has been classified as a Variant of Uncertain Significance.

ISTH-SSC Genomics in Thrombosis and Hemostasis, KU Leuven, Center for Molecular and Vascular Biology
Classification: Uncertain significance for Platelet-type bleeding disorder 16. Review status: criteria provided, single submitter. Criteria: ACMG Guidelines, 2015. Collection method: clinical testing. Allele origin: germline. Affected: yes. Observed: 1 heterozygote.
Comment: Submitted to the GoldVariant database by Kathleen Freson, Center for Molecular and Vascular Biology